The following is an entry in ClinVar:

ClinVar aggregate classification (germline): Likely benign (1 of 4 stars; one submission).

Allele frequency attached by ClinVar (database versions not stated): ExAC 0.00053.

Submission:

CeGaT Center for Human Genetics Tuebingen
Classification: Likely benign. Last evaluated: 2024-06-01. Review status: criteria provided, single submitter. Criteria: CeGaT Center For Human Genetics Tuebingen Variant Classification Criteria Version 2. Collection method: clinical testing. Allele origin: germline. Affected: yes. Observed: 1 variant allele.
Comment: PDPR: BP4, BP7

NM_017990.5(PDPR):c.852T>C (p.Ile284=)

Gene: PDPR (pyruvate dehydrogenase phosphatase regulatory subunit; plus strand). Cytogenetic location: 16q22.1.
Variant type: single nucleotide variant.
Coding change: c.852T>C on transcript NM_017990.5 (MANE Select); coding-DNA position 852, T replaced by C.
Protein change: p.Ile284=; no amino-acid change (isoleucine 284 retained).
Molecular consequence: synonymous variant. On other transcripts: 5 prime UTR variant (1).
Genome position (GRCh38, 1-based): chr16:70,132,155, T>C. VCF-style: chr16-70132155-T-C. GRCh37 (hg19) VCF-style: chr16-70166058-T-C.
Other names: c.852T>C, p.Ile284= (NM_001322117.1); c.552T>C, p.Ile184= (NM_001322118.1); c.-453T>C (NM_001322119.1).
Identifiers: ClinVar variation 3250671 (VCV003250671.18), dbSNP rs774777628.